The following is an entry in ClinVar:

ClinVar aggregate classification (germline): Uncertain significance (1 of 4 stars; one submission).

Submission:

Labcorp Genetics (formerly Invitae), Labcorp
Classification: Uncertain significance. Last evaluated: 2025-07-23. Review status: criteria provided, single submitter. Criteria: Invitae Variant Classification Sherloc (09022015). Collection method: clinical testing. Allele origin: germline.
Comment: This sequence change replaces valine, which is neutral and non-polar, with alanine, which is neutral and non-polar, at codon 521 of the SAMD9 protein (p.Val521Ala). This variant is not present in population databases (gnomAD no frequency). This variant has not been reported in the literature in individuals affected with SAMD9-related conditions. Invitae Evidence Modeling of protein sequence and biophysical properties (such as structural, functional, and spatial information, amino acid conservation, physicochemical variation, residue mobility, and thermodynamic stability) has been performed for this missense variant. However, the output from this modeling did not meet the statistical confidence thresholds required to predict the impact of this variant on SAMD9 protein function. In summary, the available evidence is currently insufficient to determine the role of this variant in disease. Therefore, it has been classified as a Variant of Uncertain Significance.

NM_017654.4(SAMD9):c.1562T>C (p.Val521Ala)

Gene: SAMD9 (sterile alpha motif domain containing 9; minus strand). Cytogenetic location: 7q21.2.
Variant type: single nucleotide variant.
Coding change: c.1562T>C on transcript NM_017654.4 (MANE Select); coding-DNA position 1562, T replaced by C.
Protein change: p.Val521Ala; replaces valine 521 with alanine.
Molecular consequence: missense variant.
Genome position (GRCh38, 1-based): chr7:93,104,536, A>G on the plus strand (T>C on the coding strand, the complement: SAMD9 is on the minus strand). VCF-style: chr7-93104536-A-G. GRCh37 (hg19) VCF-style: chr7-92733849-A-G.
Other names: c.1562T>C, p.Val521Ala (NM_001193307.2); short protein forms V521A.
Identifiers: ClinVar variation 4809389 (VCV004809389.1).